The following is an entry in ClinVar:

ClinVar aggregate classification (germline): Uncertain significance. Review status: criteria provided, multiple submitters, no conflicts (2 of 4 stars). 2 submissions from 2 submitters: Uncertain significance (2). Last evaluated 2022-07-19.

Conditions:
Congenital myasthenic syndrome 5. Identifiers: Orphanet 590, MedGen C1864233, MONDO:0011281, OMIM 603034.

Allele frequency attached by ClinVar (database versions not stated): ExAC 0.00001; gnomAD exomes 0.00002; TOPMed 0.00003.

Submissions (2):

Labcorp Genetics (formerly Invitae), Labcorp
Classification: Uncertain significance for Congenital myasthenic syndrome 5. Last evaluated: 2022-07-19. Review status: criteria provided, single submitter. Criteria: Invitae Variant Classification Sherloc (09022015). Collection method: clinical testing. Allele origin: germline.
Comment: This variant has not been reported in the literature in individuals affected with COLQ-related conditions. In summary, the available evidence is currently insufficient to determine the role of this variant in disease. Therefore, it has been classified as a Variant of Uncertain Significance. Algorithms developed to predict the effect of missense changes on protein structure and function output the following: SIFT: "Tolerated"; PolyPhen-2: "Not Available"; Align-GVGD: "Class C0". The asparagine amino acid residue is found in multiple mammalian species, which suggests that this missense change does not adversely affect protein function. ClinVar contains an entry for this variant (Variation ID: 468341). This variant is present in population databases (rs749266800, gnomAD 0.01%). This sequence change replaces aspartic acid, which is acidic and polar, with asparagine, which is neutral and polar, at codon 392 of the COLQ protein (p.Asp392Asn).

Revvity Omics, Revvity
Classification: Uncertain significance for Congenital myasthenic syndrome 5. Last evaluated: 2019-04-11. Review status: criteria provided, single submitter. Criteria: ACMG Guidelines, 2015. Collection method: clinical testing. Allele origin: germline.

NM_005677.4(COLQ):c.1174G>A (p.Asp392Asn)

Gene: COLQ (collagen like tail subunit of asymmetric acetylcholinesterase; minus strand). Cytogenetic location: 3p25.1.
Variant type: single nucleotide variant.
Coding change: c.1174G>A on transcript NM_005677.4 (MANE Select); coding-DNA position 1174, G replaced by A.
Protein change: p.Asp392Asn; replaces aspartic acid 392 with asparagine.
Molecular consequence: missense variant.
Genome position (GRCh38, 1-based): chr3:15,455,920, C>T on the plus strand (G>A on the coding strand, the complement: COLQ is on the minus strand). VCF-style: chr3-15455920-C-T. GRCh37 (hg19) VCF-style: chr3-15497427-C-T.
Other names: c.1144G>A, p.Asp382Asn (NM_080538.2); c.1072G>A, p.Asp358Asn (NM_080539.4); short protein forms D392N, D358N, D382N.
Identifiers: ClinVar variation 468341 (VCV000468341.7), dbSNP rs749266800, ClinGen allele CA2275858.